The following is an entry in ClinVar:

NM_024702.3(ZNF750):c.1294G>C (p.Asp432His)

Genes: TBCD (tubulin folding cofactor D), ZNF750 (zinc finger protein 750; minus strand). Cytogenetic location: 17q25.3.
Variant type: single nucleotide variant.
Coding change: c.1294G>C on transcript NM_024702.3 (MANE Select); coding-DNA position 1294, G replaced by C.
Protein change: p.Asp432His; replaces aspartic acid 432 with histidine.
Molecular consequence: missense variant. On other transcripts: intron variant (5).
Genome position (GRCh38, 1-based): chr17:82,831,161, C>G on the plus strand (G>C on the coding strand, the complement: ZNF750 is on the minus strand). VCF-style: chr17-82831161-C-G. GRCh37 (hg19) VCF-style: chr17-80789037-C-G.
Other names: c.1318+16227C>G (NM_005993.5, NM_001411102.1, NM_001437989.1); c.1267+16227C>G (NM_001411101.1); c.1129+16227C>G (NM_001438250.1); short protein forms D432H.
Identifiers: ClinVar variation 4280806 (VCV004280806.7).

ClinVar aggregate classification (germline): Likely benign (1 of 4 stars; one submission).

gnomAD v4.1: 1,720 of 1,614,116 alleles (0.11%); highest among the groups gnomAD compares: Non-Finnish European, 0.13%; 1 homozygote.

Submission:

CeGaT Center for Human Genetics Tuebingen
Classification: Likely benign. Last evaluated: 2026-04-01. Review status: criteria provided, single submitter. Criteria: CeGaT Center For Human Genetics Tuebingen Variant Classification Criteria Version 2. Collection method: clinical testing. Allele origin: germline. Affected: yes. Observed: 3 variant alleles.
Comment: ZNF750: BP4, BS1